The following is an entry in ClinVar:

ClinVar aggregate classification (germline): Conflicting classifications of pathogenicity. Review status: criteria provided, conflicting classifications (1 of 4 stars). 6 submissions from 6 submitters: Uncertain significance (3); Likely benign (2). 1 of the submissions does not count toward it. Last evaluated 2025-10-23.

Conditions:
KMT2D-related disorder. Also called: KMT2D-Related Disorders.
Kabuki syndrome 1 (KABUK1). Also called: KMT2D-Related Kabuki Syndrome. Identifiers: Orphanet 2322, MedGen CN030661, MONDO:0007843, OMIM 147920.
Choanal atresia-athelia-hypothyroidism-delayed puberty-short stature syndrome (BCAHH). Also called: BRANCHIAL ARCH ABNORMALITIES, CHOANAL ATRESIA, ATHELIA, HEARING LOSS, AND HYPOTHYROIDISM SYNDROME. Identifiers: Orphanet 589856, MedGen C5680310, MONDO:0035651, OMIM 620186.
Kabuki syndrome. Also called: Kabuki make-up syndrome; NIIKAWA-KUROKI SYNDROME. Identifiers: Orphanet 2322, MedGen C0796004, MONDO:0016512.

Submissions (6):

Labcorp Genetics (formerly Invitae), Labcorp
Classification: Likely benign for Kabuki syndrome. Last evaluated: 2025-10-23. Review status: criteria provided, single submitter. Criteria: Invitae Variant Classification Sherloc (09022015). Collection method: clinical testing. Allele origin: germline.

Fulgent Genetics
Classification: Uncertain significance for Kabuki syndrome 1; Choanal atresia-athelia-hypothyroidism-delayed puberty-short stature syndrome. Last evaluated: 2024-03-08. Review status: criteria provided, single submitter. Criteria: ACMG Guidelines, 2015. Collection method: clinical testing. Allele origin: germline.

Blueprint Genetics
Classification: Likely benign. Last evaluated: 2024-02-07. Review status: criteria provided, single submitter. Criteria: ACMG Guidelines, 2015. Collection method: clinical testing. Allele origin: germline.

GeneDx
Classification: Uncertain significance. Last evaluated: 2020-11-30. Review status: criteria provided, single submitter. Criteria: GeneDx Variant Classification Process June 2021. Collection method: clinical testing. Allele origin: germline. Affected: yes.
Comment: Observed in an individual with Kabuki syndrome; however, it was inherited from an apparently asymptomatic mother (Micale et al., 2014); In-frame duplication of 1 amino acid in a repetitive region; In silico analysis supports that this variant does not alter splicing; This variant is associated with the following publications: (PMID: 24633898)

Eurofins Ntd Llc (ga)
Classification: Uncertain significance. Last evaluated: 2018-02-16. Review status: criteria provided, single submitter. Criteria: EGL ClinVar v180209 classification definitions. Collection method: clinical testing. Allele origin: germline. Observed: 2 variant alleles, 2 heterozygotes.

PreventionGenetics, part of Exact Sciences
Classification: Likely benign for KMT2D-related condition. Last evaluated: 2024-04-09. Review status: no assertion criteria provided. Collection method: clinical testing. Allele origin: germline. Not counted in ClinVar's aggregate classification.
Comment: This variant is classified as likely benign based on ACMG/AMP sequence variant interpretation guidelines (Richards et al. 2015 PMID: 25741868, with internal and published modifications).

NM_003482.4(KMT2D):c.11702AGC[6] (p.Gln3905dup)

Gene: KMT2D (lysine methyltransferase 2D; minus strand). Cytogenetic location: 12q13.12.
Variant type: Microsatellite.
Coding change: c.11702AGC[6] on transcript NM_003482.4 (MANE Select); six copies in a row of the 3-base unit AGC starting at c.11702; the reference has five copies in a row; one copy, 3 bases duplicated; also written c.11714_11716dup.
Protein change: p.Gln3905dup; duplicates glutamine 3905.
Molecular consequence: inframe insertion.
Genome position (GRCh38, 1-based): chr12:49,032,989-49,032,991, GCT duplicated on the plus strand (AGC on the coding strand, the reverse complement: KMT2D is on the minus strand); duplicating any 3 consecutive bases within chr12:49,032,989-49,033,004 gives the same sequence; the position shown is the placement nearest the transcript's 3' end. VCF-style (leftmost placement, unchanged base first): chr12-49032988-A-AGCT. GRCh37 (hg19) VCF-style: chr12-49426771-A-AGCT.
Other names: c.11714_11716dup (NM_003482.4); c.11714_11716dupAGC (NM_003482.3).
Identifiers: ClinVar variation 596122 (VCV000596122.18), dbSNP rs944680171, ClinGen allele CA236639954.
Genomic context (GRCh38, chr12:49,032,988, plus strand): 5'-AGTTGCTGTTGCTGTTGTAGCTGCTGCTGCTGCTGCTGCTGAAGTTGCTGTTGCTGTTGC[A>AGCT]GCTGCTGCTGCTGCTGAAGCTGCTGTAAAGAGCCCATGGGCTGAGCGCTCAGTTTGGGCT-3'